The following is an entry in ClinVar:

NM_000081.4(LYST):c.8607A>G (p.Gln2869=)

Gene: LYST (lysosomal trafficking regulator; minus strand). Cytogenetic location: 1q42.3.
Variant type: single nucleotide variant.
Coding change: c.8607A>G on transcript NM_000081.4 (MANE Select); coding-DNA position 8607, A replaced by G.
Protein change: p.Gln2869=; no amino-acid change (glutamine 2869 retained).
Molecular consequence: synonymous variant.
Genome position (GRCh38, 1-based): chr1:235,733,835, T>C on the plus strand (A>G on the coding strand, the complement: LYST is on the minus strand). VCF-style: chr1-235733835-T-C. GRCh37 (hg19) VCF-style: chr1-235897135-T-C.
Other names: c.8607A>G, p.Gln2869= (NM_001301365.1).
Identifiers: ClinVar variation 522321 (VCV000522321.38), dbSNP rs369484787, ClinGen allele CA1465816.

ClinVar aggregate classification (germline): Likely benign. Review status: criteria provided, multiple submitters, no conflicts (2 of 4 stars). 5 submissions from 5 submitters: Likely benign (4). 1 of the submissions does not count toward it. Last evaluated 2026-01-26.

Conditions:
Chédiak-Higashi syndrome (CHS). Also called: Chediak-Higashi Syndrome. Identifiers: Orphanet 167, MedGen C0007965, MONDO:0008963, OMIM 214500.

Allele frequency attached by ClinVar (database versions not stated): gnomAD 0.00004; TOPMed 0.00006; ExAC 0.00007; gnomAD exomes 0.00008; ESP Exome Variant Server 0.00023.
gnomAD v4.1: 156 of 1,592,690 alleles (0.0098%); highest among the groups gnomAD compares: Non-Finnish European, 0.013%; no homozygotes.

Submissions (5):

Labcorp Genetics (formerly Invitae), Labcorp
Classification: Likely benign for Chédiak-Higashi syndrome. Last evaluated: 2026-01-26. Review status: criteria provided, single submitter. Criteria: Invitae Variant Classification Sherloc (09022015). Collection method: clinical testing. Allele origin: germline.

Blueprint Genetics
Classification: Likely benign. Last evaluated: 2024-08-15. Review status: criteria provided, single submitter. Criteria: ACMG Guidelines, 2015. Collection method: clinical testing. Allele origin: germline.

CeGaT Center for Human Genetics Tuebingen
Classification: Likely benign. Last evaluated: 2023-03-01. Review status: criteria provided, single submitter. Criteria: CeGaT Center For Human Genetics Tuebingen Variant Classification Criteria Version 2. Collection method: clinical testing. Allele origin: germline. Affected: yes. Observed: 1 variant allele.
Comment: LYST: BP4, BP7

Clinical Genetics DNA and cytogenetics Diagnostics Lab, Erasmus MC, Erasmus Medical Center
Classification: Likely benign for Chédiak-Higashi syndrome. Last evaluated: 2017-06-28. Review status: criteria provided, single submitter. Criteria: ACGS Guidelines, 2013. Collection method: clinical testing. Allele origin: germline. Affected: yes. Study: VKGL Data-share Consensus.

Clinical Genetics, Academic Medical Center
Classification: Benign. Review status: no assertion criteria provided. Collection method: clinical testing. Allele origin: germline. Affected: yes. Study: VKGL Data-share Consensus. Not counted in ClinVar's aggregate classification.